The following is an entry in ClinVar:

ClinVar aggregate classification (germline): Uncertain significance (1 of 4 stars; one submission).

gnomAD v4.1: 26 of 1,614,056 alleles (0.0016%); highest among the groups gnomAD compares: Admixed American, 0.0083%; no homozygotes.

Submission:

Labcorp Genetics (formerly Invitae), Labcorp
Classification: Uncertain significance. Last evaluated: 2024-04-30. Review status: criteria provided, single submitter. Criteria: Invitae Variant Classification Sherloc (09022015). Collection method: clinical testing. Allele origin: germline.
Comment: This sequence change replaces proline, which is neutral and non-polar, with leucine, which is neutral and non-polar, at codon 153 of the MECR protein (p.Pro153Leu). This variant is present in population databases (rs759114736, gnomAD 0.006%). This variant has not been reported in the literature in individuals affected with MECR-related conditions. Advanced modeling of protein sequence and biophysical properties (such as structural, functional, and spatial information, amino acid conservation, physicochemical variation, residue mobility, and thermodynamic stability) performed at Invitae indicates that this missense variant is expected to disrupt MECR protein function with a positive predictive value of 80%. In summary, the available evidence is currently insufficient to determine the role of this variant in disease. Therefore, it has been classified as a Variant of Uncertain Significance.

NM_016011.5(MECR):c.458C>T (p.Pro153Leu)

Gene: MECR (mitochondrial trans-2-enoyl-CoA reductase; minus strand). Cytogenetic location: 1p35.3.
Variant type: single nucleotide variant.
Coding change: c.458C>T on transcript NM_016011.5 (MANE Select); coding-DNA position 458, C replaced by T.
Protein change: p.Pro153Leu; replaces proline 153 with leucine.
Molecular consequence: missense variant. On other transcripts: non-coding transcript variant (4).
Genome position (GRCh38, 1-based): chr1:29,206,854, G>A on the plus strand (C>T on the coding strand, the complement: MECR is on the minus strand). VCF-style: chr1-29206854-G-A. GRCh37 (hg19) VCF-style: chr1-29533366-G-A.
Other names: c.230C>T, p.Pro77Leu (NM_001024732.4, NM_001349711.2, NM_001349712.2 and 2 more transcripts); c.563C>T, p.Pro188Leu (NM_001349715.2); c.542C>T, p.Pro181Leu (NM_001349716.2); c.308C>T, p.Pro103Leu (NM_001349717.2); short protein forms P181L, P103L, P188L, P153L, P77L.
Identifiers: ClinVar variation 3713701 (VCV003713701.1).